The following is an entry in ClinVar:

NM_001482.3(GATM):c.23G>A (p.Arg8His)

Genes: GATM (glycine amidinotransferase; minus strand), LOC130056991 (ATAC-STARR-seq lymphoblastoid silent region 6406; plus strand). Cytogenetic location: 15q21.1.
Variant type: single nucleotide variant.
Coding change: c.23G>A on transcript NM_001482.3 (MANE Select); coding-DNA position 23, G replaced by A.
Protein change: p.Arg8His; replaces arginine 8 with histidine.
Molecular consequence: missense variant. On other transcripts: intron variant (1).
Genome position (GRCh38, 1-based): chr15:45,378,431, C>T on the plus strand (G>A on the coding strand, the complement: GATM is on the minus strand). VCF-style: chr15-45378431-C-T. GRCh37 (hg19) VCF-style: chr15-45670629-C-T.
Other names: c.-318-1612G>A (NM_001321015.2); short protein forms R8H.
Identifiers: ClinVar variation 1490928 (VCV001490928.8), dbSNP rs1889681963, ClinGen allele CA392266642.

ClinVar aggregate classification (germline): Uncertain significance (1 of 4 stars; one submission).

Conditions:
Arginine:glycine amidinotransferase deficiency (CCDS3). Also called: L-Arginine:Glycine Amidinotransferase (AGAT) Deficiency; Creatine deficiency syndrome due to AGAT deficiency; GATM deficiency; Cerebral creatine deficiency syndrome 3; AGAT deficiency; L-Arginine:Glycine Amidinotransferase Deficiency. Identifiers: Orphanet 35704, MedGen C2675179, MONDO:0012996, OMIM 612718.

Allele frequency attached by ClinVar (database versions not stated): TOPMed 0.00001.

Submission:

Labcorp Genetics (formerly Invitae), Labcorp
Classification: Uncertain significance for Arginine:glycine amidinotransferase deficiency. Last evaluated: 2023-09-20. Review status: criteria provided, single submitter. Criteria: Invitae Variant Classification Sherloc (09022015). Collection method: clinical testing. Allele origin: germline.
Comment: In summary, the available evidence is currently insufficient to determine the role of this variant in disease. Therefore, it has been classified as a Variant of Uncertain Significance. An algorithm developed to predict the effect of missense changes on protein structure and function (PolyPhen-2) suggests that this variant is likely to be disruptive. ClinVar contains an entry for this variant (Variation ID: 1490928). This variant has not been reported in the literature in individuals affected with GATM-related conditions. This variant is not present in population databases (gnomAD no frequency). This sequence change replaces arginine, which is basic and polar, with histidine, which is basic and polar, at codon 8 of the GATM protein (p.Arg8His).